The following is an entry in ClinVar:

ClinVar aggregate classification (germline): Uncertain significance. Review status: criteria provided, multiple submitters, no conflicts (2 of 4 stars). 3 submissions from 3 submitters: Uncertain significance (3). Last evaluated 2025-12-19.

Conditions:
TTN-related disorder. Also called: TTN-related disorders; TTN-related condition; TTN-related disease.
Dilated cardiomyopathy 1G (CMD1G). Identifiers: Orphanet 154, MedGen C1858763, MONDO:0011400, OMIM 604145.
Autosomal recessive limb-girdle muscular dystrophy type 2J (LGMDR10). Also called: Limb-girdle muscular dystrophy, type 2J; MUSCULAR DYSTROPHY, LIMB-GIRDLE, AUTOSOMAL RECESSIVE 10. Identifiers: Orphanet 140922, MedGen C1837342, MONDO:0012127, OMIM 608807.

gnomAD v4.1: 14 of 1,613,848 alleles (0.00087%); highest among the groups gnomAD compares: Admixed American, 0.0033%; no homozygotes.

Submissions (3):

PreventionGenetics, part of Exact Sciences
Classification: Uncertain significance for TTN-related condition. Last evaluated: 2025-12-19. Review status: criteria provided, single submitter. Criteria: ACMG Guidelines, 2015. Collection method: clinical testing. Allele origin: germline.
Comment: The TTN c.102955A>G variant is predicted to result in the amino acid substitution p.Thr34319Ala. To our knowledge, this variant has not been reported in the literature. This variant is reported in 0.0058% of alleles in individuals of Latino descent in gnomAD. At this time, the clinical significance of this variant is uncertain due to the absence of conclusive functional and genetic evidence.

Labcorp Genetics (formerly Invitae), Labcorp
Classification: Uncertain significance for Dilated cardiomyopathy 1G; Autosomal recessive limb-girdle muscular dystrophy type 2J. Last evaluated: 2025-12-14. Review status: criteria provided, single submitter. Criteria: Invitae Variant Classification Sherloc (09022015). Collection method: clinical testing. Allele origin: germline.
Comment: This sequence change replaces threonine, which is neutral and polar, with alanine, which is neutral and non-polar, at codon 34319 of the TTN protein (p.Thr34319Ala). This variant is present in population databases (rs768829243, gnomAD 0.006%). This variant has not been reported in the literature in individuals affected with TTN-related conditions. ClinVar contains an entry for this variant (Variation ID: 3753502). Experimental studies and prediction algorithms are not available or were not evaluated, and the functional significance of this variant is currently unknown. This variant is located in the M band of TTN (PMID: 25589632). Non-truncating variants in this region may be relevant for neuromuscular disorders, but have not been definitively shown to cause cardiomyopathy (PMID: 23975875). In summary, the available evidence is currently insufficient to determine the role of this variant in disease. Therefore, it has been classified as a Variant of Uncertain Significance.

Revvity Omics, Revvity
Classification: Uncertain significance. Last evaluated: 2023-08-30. Review status: criteria provided, single submitter. Criteria: ACMG Guidelines, 2015. Collection method: clinical testing. Allele origin: germline.

Literature cited by the submitters: PubMed 25589632 (cited by Labcorp Genetics (formerly Invitae), Labcorp); PubMed 23975875 (cited by Labcorp Genetics (formerly Invitae), Labcorp).

NM_001267550.2(TTN):c.102955A>G (p.Thr34319Ala)

Genes: TTN (titin; minus strand), TTN-AS1 (TTN antisense RNA 1; plus strand). Cytogenetic location: 2q31.2.
Variant type: single nucleotide variant.
Coding change: c.102955A>G on transcript NM_001267550.2 (MANE Select); coding-DNA position 102955, A replaced by G.
Protein change: p.Thr34319Ala; replaces threonine 34319 with alanine.
Molecular consequence: missense variant.
Genome position (GRCh38, 1-based): chr2:178,533,660, T>C on the plus strand (A>G on the coding strand, the complement: TTN is on the minus strand). VCF-style: chr2-178533660-T-C. GRCh37 (hg19) VCF-style: chr2-179398387-T-C.
Other names: c.98032A>G, p.Thr32678Ala (NM_001256850.1); c.75760A>G, p.Thr25254Ala (NM_003319.4); c.95251A>G, p.Thr31751Ala (NM_133378.4); c.76135A>G, p.Thr25379Ala (NM_133432.3); c.76336A>G, p.Thr25446Ala (NM_133437.4); short protein forms T25254A, T25379A, T25446A, T31751A, T32678A, T34319A.
Identifiers: ClinVar variation 3753502 (VCV003753502.4).
Genomic context (GRCh38, chr2:178,533,660, plus strand): 5'-ATTTGTTCCTTGCCACAACAGTATATTCAGCGTCATCATCTGTAGTGACACTGTTGATTG[T>C]TAATTGGTAAAGACCCTTGTCTGACTCAAATGTGTACTTCTTGTCATTGTCACCTGGTTT-3'
Protein context (NP_001254479.2, residues 34309-34329): FESDKGLYQL[Thr34319Ala]INSVTTDDDA